The following is an entry in ClinVar:

NM_000030.3(AGXT):c.777-1G>A

Gene: AGXT (alanine--glyoxylate aminotransferase; plus strand). Cytogenetic location: 2q37.3.
Variant type: single nucleotide variant.
Coding change: c.777-1G>A on transcript NM_000030.3 (MANE Select); the canonical splice acceptor site of the intron before coding-DNA position 777, G replaced by A.
Molecular consequence: splice acceptor variant.
Genome position (GRCh38, 1-based): chr2:240,875,934, G>A. VCF-style: chr2-240875934-G-A. GRCh37 (hg19) VCF-style: chr2-241815351-G-A.
Identifiers: ClinVar variation 5003365 (VCV005003365.1).

ClinVar aggregate classification (germline): Likely pathogenic (1 of 4 stars; one submission).

Conditions:
Primary hyperoxaluria, type I (HP1). Also called: OXALOSIS I; Primary hyperoxaluria type 1; GLYCOLIC ACIDURIA; HEPATIC AGT DEFICIENCY. Identifiers: Orphanet 416, Orphanet 93598, MedGen C0268164, MONDO:0009823, OMIM 259900. Disease mechanism: loss of function.

Submission:

Myriad Genetics, Inc.
Classification: Likely pathogenic for Primary hyperoxaluria, type I. Last evaluated: 2026-07-29. Review status: criteria provided, single submitter. Criteria: Myriad Autosomal Dominant, Autosomal Recessive and X-Linked Classification Criteria (2023). Collection method: clinical testing. Allele origin: unknown.
Comment: NM_000030.2(AGXT):c.777-1G>A is a variant in a canonical splice site classified as likely pathogenic in the context of primary hyperoxaluria type 1. c.777-1G>A has not been observed in cases with relevant disease. Relevant functional assessments of this variant are not available in the literature. c.777-1G>A has not been observed in referenced population frequency databases. In summary, NM_000030.2(AGXT):c.777-1G>A is a variant in a canonical splice site in a gene where loss of function is a known mechanism of disease and is predicted to disrupt protein function. Please note: this variant was assessed in the context of healthy population screening.